The following is an entry in ClinVar:

ClinVar aggregate classification (germline): Uncertain significance (1 of 4 stars; one submission).

Allele frequency attached by ClinVar (database versions not stated): 1000 Genomes Project 30x 0.00016; 1000 Genomes Project 0.00020; gnomAD 0.00001; ExAC 0.00004.
gnomAD v4.1: 13 of 1,609,758 alleles (0.00081%); highest among the groups gnomAD compares: South Asian, 0.012%; no homozygotes.

Submission:

Labcorp Genetics (formerly Invitae), Labcorp
Classification: Uncertain significance. Last evaluated: 2022-08-16. Review status: criteria provided, single submitter. Criteria: Invitae Variant Classification Sherloc (09022015). Collection method: clinical testing. Allele origin: germline.
Comment: In summary, the available evidence is currently insufficient to determine the role of this variant in disease. Therefore, it has been classified as a Variant of Uncertain Significance. Algorithms developed to predict the effect of missense changes on protein structure and function output the following: SIFT: "Tolerated"; PolyPhen-2: "Benign"; Align-GVGD: "Class C0". The serine amino acid residue is found in multiple mammalian species, which suggests that this missense change does not adversely affect protein function. This variant has not been reported in the literature in individuals affected with TRIT1-related conditions. The frequency data for this variant in the population databases is considered unreliable, as metrics indicate poor data quality at this position in the gnomAD database. This sequence change replaces alanine, which is neutral and non-polar, with serine, which is neutral and polar, at codon 104 of the TRIT1 protein (p.Ala104Ser).

NM_017646.6(TRIT1):c.310G>T (p.Ala104Ser)

Gene: TRIT1 (tRNA isopentenyltransferase 1; minus strand). Cytogenetic location: 1p34.2.
Variant type: single nucleotide variant.
Coding change: c.310G>T on transcript NM_017646.6 (MANE Select); coding-DNA position 310, G replaced by T.
Protein change: p.Ala104Ser; replaces alanine 104 with serine.
Molecular consequence: missense variant. On other transcripts: intron variant (1).
Genome position (GRCh38, 1-based): chr1:39,857,282, C>A on the plus strand (G>T on the coding strand, the complement: TRIT1 is on the minus strand). VCF-style: chr1-39857282-C-A. GRCh37 (hg19) VCF-style: chr1-40322954-C-A.
Other names: c.310G>T, p.Ala104Ser (NM_001312691.2); c.175-4406G>T (NM_001312692.1); short protein forms A104S.
Identifiers: ClinVar variation 1966688 (VCV001966688.5), dbSNP rs562131479, ClinGen allele CA788148.